The following is an entry in ClinVar:

NM_004380.3(CREBBP):c.5788C>A (p.Pro1930Thr)

Gene: CREBBP (CREB binding lysine acetyltransferase; minus strand). Cytogenetic location: 16p13.3.
Variant type: single nucleotide variant.
Coding change: c.5788C>A on transcript NM_004380.3 (MANE Select); coding-DNA position 5788, C replaced by A.
Protein change: p.Pro1930Thr; replaces proline 1930 with threonine.
Molecular consequence: missense variant.
Genome position (GRCh38, 1-based): chr16:3,729,259, G>T on the plus strand (C>A on the coding strand, the complement: CREBBP is on the minus strand). VCF-style: chr16-3729259-G-T. GRCh37 (hg19) VCF-style: chr16-3779260-G-T.
Other names: c.5674C>A, p.Pro1892Thr (NM_001079846.1); short protein forms P1892T, P1930T.
Identifiers: ClinVar variation 3350173 (VCV003350173.1).

ClinVar aggregate classification (germline): Uncertain significance (0 of 4 stars; one submission).

Conditions:
CREBBP-related disorder. Also called: CREBBP-related condition; CREBBP-related disorders.

Submission:

PreventionGenetics, part of Exact Sciences
Classification: Uncertain significance for CREBBP-related condition. Last evaluated: 2024-01-06. Review status: no assertion criteria provided. Collection method: clinical testing. Allele origin: germline.
Comment: The CREBBP c.5788C>A variant is predicted to result in the amino acid substitution p.Pro1930Thr. To our knowledge, this variant has not been reported in the literature or in a large population database, indicating this variant is rare. At this time, the clinical significance of this variant is uncertain due to the absence of conclusive functional and genetic evidence.